The following is an entry in ClinVar:

NM_006070.6(TFG):c.56A>G (p.Glu19Gly)

Gene: TFG (trafficking from ER to golgi regulator; plus strand). Cytogenetic location: 3q12.2.
Variant type: single nucleotide variant.
Coding change: c.56A>G on transcript NM_006070.6 (MANE Select); coding-DNA position 56, A replaced by G.
Protein change: p.Glu19Gly; replaces glutamic acid 19 with glycine.
Molecular consequence: missense variant.
Genome position (GRCh38, 1-based): chr3:100,713,741, A>G. VCF-style: chr3-100713741-A-G. GRCh37 (hg19) VCF-style: chr3-100432585-A-G.
Other names: c.56A>G, p.Glu19Gly (NM_001007565.2, NM_001195478.2, NM_001195479.2); short protein forms E19G.
Identifiers: ClinVar variation 4790523 (VCV004790523.1).

ClinVar aggregate classification (germline): Uncertain significance (1 of 4 stars; one submission).

Conditions:
Hereditary motor and sensory neuropathy, Okinawa type (HMSNO). Also called: HEREDITARY MOTOR AND SENSORY NEUROPATHY, PROXIMAL TYPE. Identifiers: Orphanet 90117, MedGen C1858338, MONDO:0011468, OMIM 604484.
Hereditary spastic paraplegia 57. Also called: Spastic paraplegia 57, autosomal recessive. Identifiers: Orphanet 431329, MedGen C3714897, MONDO:0014295, OMIM 615658.

gnomAD v4.1: 1 of 1,611,542 alleles (0.000062%); highest among the groups gnomAD compares: Non-Finnish European, 0.000085%; no homozygotes.

Submission:

Labcorp Genetics (formerly Invitae), Labcorp
Classification: Uncertain significance for Hereditary motor and sensory neuropathy, Okinawa type; Hereditary spastic paraplegia 57. Last evaluated: 2025-08-24. Review status: criteria provided, single submitter. Criteria: Invitae Variant Classification Sherloc (09022015). Collection method: clinical testing. Allele origin: germline.
Comment: This sequence change replaces glutamic acid, which is acidic and polar, with glycine, which is neutral and non-polar, at codon 19 of the TFG protein (p.Glu19Gly). This variant is not present in population databases (gnomAD no frequency). This variant has not been reported in the literature in individuals affected with TFG-related conditions. Invitae Evidence Modeling of protein sequence and biophysical properties (such as structural, functional, and spatial information, amino acid conservation, physicochemical variation, residue mobility, and thermodynamic stability) indicates that this missense variant is not expected to disrupt TFG protein function with a negative predictive value of 80%. In summary, the available evidence is currently insufficient to determine the role of this variant in disease. Therefore, it has been classified as a Variant of Uncertain Significance.